The following is an entry in ClinVar:

NM_007214.5(SEC63):c.1936-5_1936-4insTTTT

Gene: SEC63 (SEC63 protein translocation regulator; minus strand). Cytogenetic location: 6q21.
Variant type: Insertion.
Coding change: c.1936-5_1936-4insTTTT on transcript NM_007214.5 (MANE Select); 5 bases into the intron before coding-DNA position 1936 through 4 bases into the intron before coding-DNA position 1936, TTTT inserted.
Molecular consequence: intron variant.
Genome position: GRCh38 VCF-style: chr6-107876666-G-GAAAA. GRCh37 (hg19) VCF-style: chr6-108197870-G-GAAAA.
Identifiers: ClinVar variation 4987782 (VCV004987782.1).

ClinVar aggregate classification (germline): Likely benign (1 of 4 stars; one submission).

Conditions:
SEC63-related disorder. Also called: SEC63-related condition.

Submission:

PreventionGenetics, part of Exact Sciences
Classification: Likely benign for SEC63-related condition. Last evaluated: 2025-02-10. Review status: criteria provided, single submitter. Criteria: ACMG Guidelines, 2015. Collection method: clinical testing. Allele origin: germline.
Comment: This variant is classified as likely benign based on ACMG/AMP sequence variant interpretation guidelines (Richards et al. 2015 PMID: 25741868, with internal and published modifications).